The following is an entry in ClinVar:

ClinVar aggregate classification (germline): Uncertain significance (1 of 4 stars; one submission).

Conditions:
Predisposition to invasive fungal disease due to CARD9 deficiency (IMD103). Also called: IMMUNODEFICIENCY 103, SUSCEPTIBILITY TO FUNGAL INFECTIONS; Candidiasis, familial, 2, autosomal recessive; CARD9 IMMUNODEFICIENCY. Identifiers: Orphanet 457088, MedGen C1859353, MONDO:0008905, OMIM 212050.

gnomAD v4.1: 87 of 1,611,390 alleles (0.0054%); highest among the groups gnomAD compares: Admixed American, 0.022%; no homozygotes.

Submission:

Labcorp Genetics (formerly Invitae), Labcorp
Classification: Uncertain significance for Predisposition to invasive fungal disease due to CARD9 deficiency. Last evaluated: 2026-01-13. Review status: criteria provided, single submitter. Criteria: Invitae Variant Classification Sherloc (09022015). Collection method: clinical testing. Allele origin: germline.
Comment: This sequence change replaces arginine, which is basic and polar, with histidine, which is basic and polar, at codon 173 of the CARD9 protein (p.Arg173His). This variant is present in population databases (rs368657832, gnomAD 0.01%). This variant has not been reported in the literature in individuals affected with CARD9-related conditions. Invitae Evidence Modeling of protein sequence and biophysical properties (such as structural, functional, and spatial information, amino acid conservation, physicochemical variation, residue mobility, and thermodynamic stability) indicates that this missense variant is not expected to disrupt CARD9 protein function with a negative predictive value of 80%. In summary, the available evidence is currently insufficient to determine the role of this variant in disease. Therefore, it has been classified as a Variant of Uncertain Significance.

NM_052813.5(CARD9):c.518G>A (p.Arg173His)

Gene: CARD9 (caspase recruitment domain family member 9; minus strand). Cytogenetic location: 9q34.3.
Variant type: single nucleotide variant.
Coding change: c.518G>A on transcript NM_052813.5 (MANE Select); coding-DNA position 518, G replaced by A.
Protein change: p.Arg173His; replaces arginine 173 with histidine.
Molecular consequence: missense variant.
Genome position (GRCh38, 1-based): chr9:136,370,950, C>T on the plus strand (G>A on the coding strand, the complement: CARD9 is on the minus strand). VCF-style: chr9-136370950-C-T. GRCh37 (hg19) VCF-style: chr9-139265402-C-T.
Other names: c.518G>A, p.Arg173His (NM_052814.4); short protein forms R173H.
Identifiers: ClinVar variation 4717980 (VCV004717980.1).